The following is an entry in ClinVar:

ClinVar aggregate classification (germline): Uncertain significance. Review status: criteria provided, multiple submitters, no conflicts (2 of 4 stars). 2 submissions from 2 submitters: Uncertain significance (2). Last evaluated 2025-07-16.

Conditions:
Hereditary cancer-predisposing syndrome. Also called: Hereditary Cancer Syndrome; Tumor predisposition; Neoplastic Syndromes, Hereditary; Hereditary neoplastic syndrome. Identifiers: Orphanet 140162, MedGen C0027672, MeSH D009386, MONDO:0015356.
Gorlin syndrome. Also called: Nevoid Basal Cell Carcinoma Syndrome; Basal cell nevus syndrome. Identifiers: Orphanet 377, MedGen C0004779, MONDO:0007187.

Submissions (2):

Labcorp Genetics (formerly Invitae), Labcorp
Classification: Uncertain significance for Gorlin syndrome. Last evaluated: 2025-07-16. Review status: criteria provided, single submitter. Criteria: Invitae Variant Classification Sherloc (09022015). Collection method: clinical testing. Allele origin: germline.
Comment: This sequence change replaces arginine, which is basic and polar, with leucine, which is neutral and non-polar, at codon 638 of the PTCH1 protein (p.Arg638Leu). This variant is not present in population databases (gnomAD no frequency). This variant has not been reported in the literature in individuals affected with PTCH1-related conditions. ClinVar contains an entry for this variant (Variation ID: 3230963). Invitae Evidence Modeling of protein sequence and biophysical properties (such as structural, functional, and spatial information, amino acid conservation, physicochemical variation, residue mobility, and thermodynamic stability) has been performed for this missense variant. However, the output from this modeling did not meet the statistical confidence thresholds required to predict the impact of this variant on PTCH1 protein function. In summary, the available evidence is currently insufficient to determine the role of this variant in disease. Therefore, it has been classified as a Variant of Uncertain Significance.

Ambry Genetics
Classification: Uncertain significance for Hereditary cancer-predisposing syndrome. Last evaluated: 2024-01-22. Review status: criteria provided, single submitter. Criteria: Ambry Variant Classification Scheme 2023. Collection method: clinical testing. Allele origin: germline.
Comment: The p.R638L variant (also known as c.1913G>T), located in coding exon 14 of the PTCH1 gene, results from a G to T substitution at nucleotide position 1913. The arginine at codon 638 is replaced by leucine, an amino acid with dissimilar properties. This amino acid position is not well conserved in available vertebrate species. In addition, the in silico prediction for this alteration is inconclusive. Based on the available evidence, the clinical significance of this alteration remains unclear.

NM_000264.5(PTCH1):c.1913G>T (p.Arg638Leu)

Genes: PTCH1 (patched 1; minus strand), LOC100507346 (uncharacterized LOC100507346; plus strand). Cytogenetic location: 9q22.32.
Variant type: single nucleotide variant.
Coding change: c.1913G>T on transcript NM_000264.5 (MANE Select); coding-DNA position 1913, G replaced by T.
Protein change: p.Arg638Leu; replaces arginine 638 with leucine.
Molecular consequence: missense variant. On other transcripts: non-coding transcript variant (2).
Genome position (GRCh38, 1-based): chr9:95,469,088, C>A on the plus strand (G>T on the coding strand, the complement: PTCH1 is on the minus strand). VCF-style: chr9-95469088-C-A. GRCh37 (hg19) VCF-style: chr9-98231370-C-A.
Other names: c.1715G>T, p.Arg572Leu (NM_001083602.3); c.1910G>T, p.Arg637Leu (NM_001083603.3); c.1460G>T, p.Arg487Leu (NM_001083604.3, NM_001083605.3, NM_001083606.3 and 1 more transcripts); c.1757G>T, p.Arg586Leu (NM_001354918.2); short protein forms R487L, R572L, R586L, R637L, R638L.
Identifiers: ClinVar variation 3230963 (VCV003230963.2), dbSNP rs145766839, ClinGen allele CA374116059.